The following is an entry in ClinVar:

NM_004960.4(FUS):c.13+6T>C

Gene: FUS (FUS RNA binding protein; plus strand). Cytogenetic location: 16p11.2.
Variant type: single nucleotide variant.
Coding change: c.13+6T>C on transcript NM_004960.4 (MANE Select); 6 bases into the intron after coding-DNA position 13, T replaced by C.
Molecular consequence: intron variant.
Genome position (GRCh38, 1-based): chr16:31,180,233, T>C. VCF-style: chr16-31180233-T-C. GRCh37 (hg19) VCF-style: chr16-31191554-T-C.
Other names: c.13+6T>C (NM_001170937.1, NM_001170634.1).
Identifiers: ClinVar variation 4790226 (VCV004790226.1).

ClinVar aggregate classification (germline): Uncertain significance (1 of 4 stars; one submission).

Conditions:
Amyotrophic lateral sclerosis type 6. Also called: FUS-Related Amyotrophic Laterial Sclerosis; AMYOTROPHIC LATERAL SCLEROSIS 6 WITHOUT FRONTOTEMPORAL DEMENTIA; Amyotrophic lateral sclerosis 6, with or without frontotemporal dementia. Identifiers: Orphanet 275872, Orphanet 803, MedGen C2931786, MONDO:0011951, OMIM 608030.
Tremor, hereditary essential, 4 (ETM4). Identifiers: MedGen C3539195, MONDO:0013888, OMIM 614782.

gnomAD v4.1: 19 of 1,610,164 alleles (0.0012%); highest among the groups gnomAD compares: African/African-American, 0.0027%; no homozygotes.

Submission:

Labcorp Genetics (formerly Invitae), Labcorp
Classification: Uncertain significance for Tremor, hereditary essential, 4; Amyotrophic lateral sclerosis type 6. Last evaluated: 2025-07-23. Review status: criteria provided, single submitter. Criteria: Invitae Variant Classification Sherloc (09022015). Collection method: clinical testing. Allele origin: germline.
Comment: This sequence change falls in intron 1 of the FUS gene. It does not directly change the encoded amino acid sequence of the FUS protein. It affects a nucleotide within the consensus splice site. This variant is not present in population databases (gnomAD no frequency). This variant has not been reported in the literature in individuals affected with FUS-related conditions. Variants that disrupt the consensus splice site are a relatively common cause of aberrant splicing (PMID: 17576681, 9536098). Algorithms developed to predict the effect of sequence changes on RNA splicing suggest that this variant is not likely to affect RNA splicing. In summary, the available evidence is currently insufficient to determine the role of this variant in disease. Therefore, it has been classified as a Variant of Uncertain Significance.

Literature cited by the submitters: PubMed 17576681; PubMed 9536098.